The following is an entry in ClinVar:

ClinVar aggregate classification (germline): Uncertain significance (1 of 4 stars; one submission).

gnomAD v4.1: 2 of 1,546,470 alleles (0.00013%); highest among the groups gnomAD compares: Non-Finnish European, 0.000087%; no homozygotes.

Submission:

Labcorp Genetics (formerly Invitae), Labcorp
Classification: Uncertain significance. Last evaluated: 2023-12-19. Review status: criteria provided, single submitter. Criteria: Invitae Variant Classification Sherloc (09022015). Collection method: clinical testing. Allele origin: germline.
Comment: This sequence change falls in intron 13 of the PACS2 gene. It does not directly change the encoded amino acid sequence of the PACS2 protein. It affects a nucleotide within the consensus splice site. This variant is not present in population databases (gnomAD no frequency). This variant has not been reported in the literature in individuals affected with PACS2-related conditions. Variants that disrupt the consensus splice site are a relatively common cause of aberrant splicing (PMID: 17576681, 9536098). Algorithms developed to predict the effect of sequence changes on RNA splicing suggest that this variant is not likely to affect RNA splicing. In summary, the available evidence is currently insufficient to determine the role of this variant in disease. Therefore, it has been classified as a Variant of Uncertain Significance.

Literature cited by the submitters: PubMed 17576681; PubMed 9536098.

NM_001100913.3(PACS2):c.1413+6G>C

Gene: PACS2 (phosphofurin acidic cluster sorting protein 2; plus strand). Cytogenetic location: 14q32.33.
Variant type: single nucleotide variant.
Coding change: c.1413+6G>C on transcript NM_001100913.3 (MANE Select); 6 bases into the intron after coding-DNA position 1413, G replaced by C.
Molecular consequence: intron variant.
Genome position (GRCh38, 1-based): chr14:105,382,064, G>C. VCF-style: chr14-105382064-G-C. GRCh37 (hg19) VCF-style: chr14-105848401-G-C.
Other names: c.1176+18G>C (NM_001243127.3); c.1401+18G>C (NM_015197.4).
Identifiers: ClinVar variation 2704084 (VCV002704084.3), dbSNP rs2544805796, ClinGen allele CA2626908083.
Genomic context (GRCh38, chr14:105,382,064, plus strand): 5'-CCTGGACAACGAGCGCTGCCCGGACGCCCGGAGCCAGCTACAGGTGCAGCTGCAGGTGGG[G>C]GTGGAGGGCGTGGCACGCCCAGGAGGCAGGGCTCGTGGTCACCCTGGCACCAACCAGAGC-3'